The following is an entry in ClinVar:

ClinVar aggregate classification (germline): Likely pathogenic (1 of 4 stars; one submission).

Conditions:
Osteogenesis imperfecta type 11. Also called: OI, TYPE XI; Osteogenesis imperfecta, type XI. Identifiers: Orphanet 666, MedGen C3151218, MONDO:0012592, OMIM 610968.

Submission:

Neuberg Centre For Genomic Medicine, NCGM
Classification: Likely pathogenic for Osteogenesis imperfecta type 11. Review status: criteria provided, single submitter. Criteria: ACMG Guidelines, 2015. Collection method: clinical testing. Allele origin: germline. Inheritance: Autosomal recessive inheritance. Affected: yes.
Comment: The c.1034del (p.Pro345ArgfsTer20) frameshift variant in FKBP10 gene has not been reported previously as a pathogenic variant nor as a benign variant, to our knowledge. The p.Pro345ArgfsTer20 variant is novel (not in any individuals) in gnomAD Exomes and is novel (not in any individuals) in 1000 Genomes. This variant causes a frameshift starting with codon Proline 345, changes this amino acid to Arginine residue, and creates a premature Stop codon at position 20 bases downstream of the new reading frame, denoted p.Pro345ArgfsTer20. This variant is predicted to cause loss of normal protein function through protein truncation. Loss of function variants have been previously reported to be disease causing. For these reasons, this variant has been classified as Likely Pathogenic.

NM_021939.4(FKBP10):c.1034del (p.Pro345fs)

Gene: FKBP10 (FKBP prolyl isomerase 10; plus strand). Cytogenetic location: 17q21.2.
Variant type: Deletion.
Coding change: c.1034del on transcript NM_021939.4 (MANE Select); coding-DNA position 1034, one base deleted (C; older notation c.1034delC).
Protein change: p.Pro345fs; shifts the reading frame from proline 345.
Molecular consequence: frameshift variant.
Genome position (GRCh38, 1-based): chr17:41,819,646, C deleted; the last of 6 consecutive C bases (chr17:41,819,641-41,819,646); deleting any one gives the same sequence. VCF-style (leftmost placement, unchanged base first): chr17-41819640-TC-T. GRCh37 (hg19) VCF-style: chr17-39975892-TC-T.
Other names: short protein forms P345fs.
Identifiers: ClinVar variation 2585054 (VCV002585054.1), dbSNP rs1555616685, ClinGen allele CA645592803.